The following is an entry in ClinVar:

NM_198407.2(GHSR):c.545T>C (p.Val182Ala)

Gene: GHSR (growth hormone secretagogue receptor; minus strand). Cytogenetic location: 3q26.31.
Variant type: single nucleotide variant.
Coding change: c.545T>C on transcript NM_198407.2 (MANE Select); coding-DNA position 545, T replaced by C.
Protein change: p.Val182Ala; replaces valine 182 with alanine.
Molecular consequence: missense variant.
Genome position (GRCh38, 1-based): chr3:172,447,869, A>G on the plus strand (T>C on the coding strand, the complement: GHSR is on the minus strand). VCF-style: chr3-172447869-A-G. GRCh37 (hg19) VCF-style: chr3-172165659-A-G.
Other names: c.545T>C, p.Val182Ala (NM_004122.2); short protein forms V182A.
Identifiers: ClinVar variation 1339488 (VCV001339488.6), dbSNP rs1043529281, ClinGen allele CA87785335.
Genomic context (GRCh38, chr3:172,447,869, plus strand): 5'-TCGGTGGGGCGGCACTCGTTGGTGTCCCAAGGGTCGGTGCCGTTCTCGTGCTCCACCCCG[A>G]CTAGCACGAAGATGGGCCCGGCGCTGCAGAAGGCCACGGCCCAGATGACGAAGATGACCA-3'
Protein context (NP_940799.1, residues 172-192): FCSAGPIFVL[Val182Ala]GVEHENGTDP

ClinVar aggregate classification (germline): Conflicting classifications of pathogenicity. Review status: criteria provided, conflicting classifications (1 of 4 stars). 4 submissions from 4 submitters: Likely pathogenic (2); Uncertain significance (1). 1 of the submissions does not count toward it. Last evaluated 2025-10-15.

Conditions:
Short stature due to growth hormone secretagogue receptor deficiency (GHDP). Also called: Short stature due to GHSR deficiency. Identifiers: Orphanet 314811, MedGen C5887324, MONDO:0014403, OMIM 615925.

Allele frequency attached by ClinVar (database versions not stated): gnomAD exomes below 0.00001.
gnomAD v4.1: 2 of 1,613,778 alleles (0.00012%); highest among the groups gnomAD compares: Non-Finnish European, 0.00017%; no homozygotes.

Submissions (4):

Labcorp Genetics (formerly Invitae), Labcorp
Classification: Uncertain significance. Last evaluated: 2025-10-15. Review status: criteria provided, single submitter. Criteria: Invitae Variant Classification Sherloc (09022015). Collection method: clinical testing. Allele origin: germline.
Comment: This sequence change replaces valine, which is neutral and non-polar, with alanine, which is neutral and non-polar, at codon 182 of the GHSR protein (p.Val182Ala). This variant is not present in population databases (gnomAD no frequency). This missense change has been observed in individual(s) with constitutional delay of growth and puberty (PMID: 21646290, 31726455). ClinVar contains an entry for this variant (Variation ID: 1339488). Invitae Evidence Modeling of protein sequence and biophysical properties (such as structural, functional, and spatial information, amino acid conservation, physicochemical variation, residue mobility, and thermodynamic stability) indicates that this missense variant is not expected to disrupt GHSR protein function with a negative predictive value of 80%. Experimental studies have shown that this missense change affects GHSR function (PMID: 21646290). In summary, the available evidence is currently insufficient to determine the role of this variant in disease. Therefore, it has been classified as a Variant of Uncertain Significance.

Laboratorio de Genetica e Diagnostico Molecular, Hospital Israelita Albert Einstein
Classification: Likely pathogenic for Short stature due to growth hormone secretagogue receptor deficiency. Last evaluated: 2022-12-09. Review status: criteria provided, single submitter. Criteria: ACMG Guidelines, 2015. Collection method: clinical testing. Allele origin: germline. Affected: yes. Observed: 1 variant allele.
Comment: ACMG classification criteria: PS3 supporting, PS4 moderated, PM2 moderated, PP1 supporting

Dasa
Classification: Likely pathogenic for Short stature due to growth hormone secretagogue receptor deficiency. Last evaluated: 2022-02-05. Review status: criteria provided, single submitter. Criteria: ACMG Guidelines, 2015. Collection method: clinical testing. Allele origin: germline. Affected: yes. Observed: 1 variant allele.
Comment: The c.545T>C;p.(Val182Ala) missense variant has been observed in affected individual(s) and ClinVar contains an entry for this variant (PMID: 21646290; 24651458; 31726455) - PS4_moderate. Well-established in vitro or in vivo functional studies supportive of a damaging effect on the gene or gene product (PMID: 21646290) - PS3_supporting. This variant is not present in population databases (rs1043529281; gnomAD; ABraOM no frequency) - PM2. The variant co-segregated with disease in multiple affected family members (PMID 31726455) - PP1. Multiple lines of computational evidence support a deleterious effect on the gene or gene product - PP3. In summary, the currently available evidence indicates that the variant is likely pathogenic.

Mendelics
Classification: Uncertain significance. Last evaluated: 2022-05-04. Review status: flagged submission. Criteria: Mendelics Assertion Criteria 2019. Collection method: clinical testing. Allele origin: germline. Not counted in ClinVar's aggregate classification.
ClinVar note: Reason: Outlier claim with insufficient supporting evidence

Literature cited by the submitters: PubMed 21646290 (cited by Labcorp Genetics (formerly Invitae), Labcorp and Dasa); PubMed 31726455 (cited by Labcorp Genetics (formerly Invitae), Labcorp and Dasa); PubMed 24651458 (cited by Dasa).